The following is an entry in ClinVar:

NM_174936.4(PCSK9):c.1310C>A (p.Thr437Asn)

Gene: PCSK9 (proprotein convertase subtilisin/kexin type 9; plus strand). Cytogenetic location: 1p32.3.
Variant type: single nucleotide variant.
Coding change: c.1310C>A on transcript NM_174936.4 (MANE Select); coding-DNA position 1310, C replaced by A.
Protein change: p.Thr437Asn; replaces threonine 437 with asparagine.
Molecular consequence: missense variant.
Genome position (GRCh38, 1-based): chr1:55,058,165, C>A. VCF-style: chr1-55058165-C-A. GRCh37 (hg19) VCF-style: chr1-55523838-C-A.
Other names: short protein forms T437N.
Identifiers: ClinVar variation 918638 (VCV000918638.10), dbSNP rs746134573, ClinGen allele CA036308.
Genomic context (GRCh38, chr1:55,058,165, plus strand): 5'-ACTTCTCTGCCAAAGATGTCATCAATGAGGCCTGGTTCCCTGAGGACCAGCGGGTACTGA[C>A]CCCCAACCTGGTGGCCGCCCTGCCCCCCAGCACCCATGGGGCAGGTAAGCAGGATGGCAG-3'
Protein context (NP_777596.2, residues 427-447): AWFPEDQRVL[Thr437Asn]PNLVAALPPS

ClinVar aggregate classification (germline): Uncertain significance. Review status: criteria provided, multiple submitters, no conflicts (2 of 4 stars). 3 submissions from 3 submitters: Uncertain significance (3). Last evaluated 2024-06-11.

Conditions:
Familial hypercholesterolemia. Also called: Familial hypercholesterolemias; Familial hypercholesterolaemia. Identifiers: MedGen C0020445, MONDO:0005439.
Hypercholesterolemia, autosomal dominant, 3 (FHCL3). Also called: Familial hypercholesterolemia 3; Familial Hypercholesterolemia, Autosomal Dominant, 3; PCSK9-Related Familial Hypercholesterolemia, Autosomal Dominant. Identifiers: MedGen C1863551, MONDO:0011369, OMIM 603776.

Allele frequency attached by ClinVar (database versions not stated): gnomAD exomes 0.00001; ExAC 0.00003; TOPMed 0.00006.
gnomAD v4.1: 9 of 1,613,362 alleles (0.00056%); highest among the groups gnomAD compares: African/African-American, 0.012%; no homozygotes.

Submissions (3):

All of Us Research Program, National Institutes of Health
Classification: Uncertain significance for Hypercholesterolemia, autosomal dominant, 3. Last evaluated: 2024-06-11. Review status: criteria provided, single submitter. Criteria: ACMG Guidelines, 2015. Collection method: clinical testing. Allele origin: germline. Inheritance: Autosomal dominant inheritance. Observed: 4 variant alleles, 4 heterozygotes.
Comment: Variant of Uncertain Significance due to insufficient evidence: This missense variant replaces threonine with asparagine at codon 437 of the PCSK9 protein. Computational prediction tools and conservation analyses suggest that this variant may have deleterious impact on the protein function. Computational splicing tools suggest that this variant may not impact RNA splicing. To our knowledge, functional assays have not been performed for this variant nor has this variant been reported in individuals affected with familial hypercholesterolemia in the literature. This variant has been identified in 4/276644 chromosomes in the general population by the Genome Aggregation Database (gnomAD). Available evidence is insufficient to determine the role of this variant in disease conclusively.

This study involves interpretation of variants in research participants for the purpose of population health screening. Participant phenotype was not available at the time of variant classification. Additional details can be found in publication PMID: 35346344, PMCID: PMC8962531

Labcorp Genetics (formerly Invitae), Labcorp
Classification: Uncertain significance for Hypercholesterolemia, autosomal dominant, 3. Last evaluated: 2024-03-27. Review status: criteria provided, single submitter. Criteria: Invitae Variant Classification Sherloc (09022015). Collection method: clinical testing. Allele origin: germline.
Comment: This sequence change replaces threonine, which is neutral and polar, with asparagine, which is neutral and polar, at codon 437 of the PCSK9 protein (p.Thr437Asn). This variant is present in population databases (rs746134573, gnomAD 0.02%). This variant has not been reported in the literature in individuals affected with PCSK9-related conditions. ClinVar contains an entry for this variant (Variation ID: 918638). Advanced modeling of protein sequence and biophysical properties (such as structural, functional, and spatial information, amino acid conservation, physicochemical variation, residue mobility, and thermodynamic stability) performed at Invitae indicates that this missense variant is expected to disrupt PCSK9 protein function with a positive predictive value of 80%. In summary, the available evidence is currently insufficient to determine the role of this variant in disease. Therefore, it has been classified as a Variant of Uncertain Significance.

Color Diagnostics, LLC DBA Color Health
Classification: Uncertain significance for Familial hypercholesterolemia. Last evaluated: 2024-03-06. Review status: criteria provided, single submitter. Criteria: ACMG Guidelines, 2015. Collection method: clinical testing. Allele origin: germline.
Comment: This missense variant replaces threonine with asparagine at codon 437 of the PCSK9 protein. Computational prediction is inconclusive regarding the impact of this variant on protein structure and function (internally defined REVEL score threshold 0.5 < inconclusive < 0.7, PMID: 27666373). To our knowledge, functional studies have not been reported for this variant. This variant has not been reported in individuals affected with PCSK9-related disorders in the literature. This variant has been identified in 4/276644 chromosomes in the general population by the Genome Aggregation Database (gnomAD). The available evidence is insufficient to determine the role of this variant in disease conclusively. Therefore, this variant is classified as a Variant of Uncertain Significance.